The following is an entry in ClinVar:

ClinVar aggregate classification (germline): Uncertain significance (1 of 4 stars; one submission).

Conditions:
Dextro-looped transposition of the great arteries. Also called: Dextrotransposition of the great arteries. Identifiers: Orphanet 860, MedGen C3531771, MONDO:0019443, OMIM 608808, HP:0031348.

Allele frequency attached by ClinVar (database versions not stated): ExAC 0.00003; TOPMed 0.00001; gnomAD exomes 0.00003.
gnomAD v4.1: 41 of 1,613,974 alleles (0.0025%); highest among the groups gnomAD compares: Non-Finnish European, 0.0033%; no homozygotes.

Submission:

Labcorp Genetics (formerly Invitae), Labcorp
Classification: Uncertain significance for Dextro-looped transposition of the great arteries. Last evaluated: 2025-12-08. Review status: criteria provided, single submitter. Criteria: Invitae Variant Classification Sherloc (09022015). Collection method: clinical testing. Allele origin: germline.
Comment: This sequence change replaces glutamic acid, which is acidic and polar, with lysine, which is basic and polar, at codon 614 of the MED13L protein (p.Glu614Lys). This variant is present in population databases (rs762114479, gnomAD 0.004%). This variant has not been reported in the literature in individuals affected with MED13L-related conditions. ClinVar contains an entry for this variant (Variation ID: 2902148). Invitae Evidence Modeling of protein sequence and biophysical properties (such as structural, functional, and spatial information, amino acid conservation, physicochemical variation, residue mobility, and thermodynamic stability) has been performed for this missense variant. However, the output from this modeling did not meet the statistical confidence thresholds required to predict the impact of this variant on MED13L protein function. In summary, the available evidence is currently insufficient to determine the role of this variant in disease. Therefore, it has been classified as a Variant of Uncertain Significance.

NM_015335.5(MED13L):c.1840G>A (p.Glu614Lys)

Gene: MED13L (mediator complex subunit 13L; minus strand). Cytogenetic location: 12q24.21.
Variant type: single nucleotide variant.
Coding change: c.1840G>A on transcript NM_015335.5 (MANE Select); coding-DNA position 1840, G replaced by A.
Protein change: p.Glu614Lys; replaces glutamic acid 614 with lysine.
Molecular consequence: missense variant.
Genome position (GRCh38, 1-based): chr12:116,008,573, C>T on the plus strand (G>A on the coding strand, the complement: MED13L is on the minus strand). VCF-style: chr12-116008573-C-T. GRCh37 (hg19) VCF-style: chr12-116446378-C-T.
Other names: short protein forms E614K.
Identifiers: ClinVar variation 2902148 (VCV002902148.3), dbSNP rs762114479, ClinGen allele CA6811348.
Genomic context (GRCh38, chr12:116,008,573, plus strand): 5'-GCCACCACTTTTCTGATGACTCCGGGTTCGAGGGCCTAATCCCACAATATAAGGCTGTCT[C>T]GCTGACCTCTGCCATGAGAGGCAGTCTTTGGCCTACGAGGACAGTTCTGTCATCCAGAGT-3'
Protein context (NP_056150.1, residues 604-624): QRLPLMAEVS[Glu614Lys]TALYCGIRPS